The following is an entry in ClinVar:

ClinVar aggregate classification (germline): Uncertain significance (1 of 4 stars; one submission).

Conditions:
Ulnar-mammary syndrome (UMS). Also called: Ulnar-mammary syndrome of Pallister; SCHINZEL SYNDROME; PALLISTER ULNAR-MAMMARY SYNDROME. Identifiers: Orphanet 3138, MedGen C1866994, MONDO:0008411, OMIM 181450.

Submission:

Labcorp Genetics (formerly Invitae), Labcorp
Classification: Uncertain significance for Ulnar-mammary syndrome. Last evaluated: 2022-08-10. Review status: criteria provided, single submitter. Criteria: Invitae Variant Classification Sherloc (09022015). Collection method: clinical testing. Allele origin: germline.
Comment: In summary, the available evidence is currently insufficient to determine the role of this variant in disease. Therefore, it has been classified as a Variant of Uncertain Significance. Algorithms developed to predict the effect of missense changes on protein structure and function (SIFT, PolyPhen-2, Align-GVGD) all suggest that this variant is likely to be tolerated. This variant has not been reported in the literature in individuals affected with TBX3-related conditions. This variant is not present in population databases (gnomAD no frequency). This sequence change replaces aspartic acid, which is acidic and polar, with glutamic acid, which is acidic and polar, at codon 667 of the TBX3 protein (p.Asp667Glu).

NM_005996.4(TBX3):c.2001C>A (p.Asp667Glu)

Gene: TBX3 (T-box transcription factor 3; minus strand). Cytogenetic location: 12q24.21.
Variant type: single nucleotide variant.
Coding change: c.2001C>A on transcript NM_005996.4 (MANE Select); coding-DNA position 2001, C replaced by A.
Protein change: p.Asp667Glu; replaces aspartic acid 667 with glutamic acid.
Molecular consequence: missense variant.
Genome position (GRCh38, 1-based): chr12:114,672,012, G>T on the plus strand (C>A on the coding strand, the complement: TBX3 is on the minus strand). VCF-style: chr12-114672012-G-T. GRCh37 (hg19) VCF-style: chr12-115109817-G-T.
Other names: c.2061C>A, p.Asp687Glu (NM_016569.4); short protein forms D667E, D687E.
Identifiers: ClinVar variation 2123214 (VCV002123214.4), dbSNP rs2121375574, ClinGen allele CA386867761.
Genomic context (GRCh38, chr12:114,672,012, plus strand): 5'-CGACAAGGACATGGAGCTGGAGGAGAGCGTGGAGGAGCGGCTGTTGAGTTCAGAGCCCGA[G>T]TCCACTGCCACCGAGGCCGGGCTGGCGGCCAGGGCGGCGACTTTGCCGTCCAGGGGCCCC-3'
Protein context (NP_005987.3, residues 657-677): LAASPASVAV[Asp667Glu]SGSELNSRSS